The following is an entry in ClinVar:

ClinVar aggregate classification (germline): Uncertain significance. Review status: criteria provided, multiple submitters, no conflicts (2 of 4 stars). 2 submissions from 2 submitters: Uncertain significance (2). Last evaluated 2024-02-14.

Conditions:
Primary ciliary dyskinesia. Also called: Ciliary dyskinesia. Identifiers: Orphanet 244, MedGen C0008780, MONDO:0016575, HP:0012265.
Inborn genetic diseases. Identifiers: MedGen C0950123, MeSH D030342.

Allele frequency attached by ClinVar (database versions not stated): ExAC 0.00005; gnomAD 0.00011 and 0.00012; TOPMed 0.00017; ESP Exome Variant Server 0.00023.

Submissions (2):

Ambry Genetics
Classification: Uncertain significance for Inborn genetic diseases. Last evaluated: 2024-02-14. Review status: criteria provided, single submitter. Criteria: Ambry Variant Classification Scheme 2023. Collection method: clinical testing. Allele origin: germline.

Labcorp Genetics (formerly Invitae), Labcorp
Classification: Uncertain significance for Primary ciliary dyskinesia. Last evaluated: 2021-11-10. Review status: criteria provided, single submitter. Criteria: Invitae Variant Classification Sherloc (09022015). Collection method: clinical testing. Allele origin: germline.
Comment: This sequence change replaces arginine, which is basic and polar, with glutamine, which is neutral and polar, at codon 230 of the ZMYND10 protein (p.Arg230Gln). This variant is present in population databases (rs146875767, gnomAD 0.06%). This variant has not been reported in the literature in individuals affected with ZMYND10-related conditions. Algorithms developed to predict the effect of missense changes on protein structure and function (SIFT, PolyPhen-2, Align-GVGD) all suggest that this variant is likely to be tolerated. In summary, the available evidence is currently insufficient to determine the role of this variant in disease. Therefore, it has been classified as a Variant of Uncertain Significance.

NM_015896.4(ZMYND10):c.689G>A (p.Arg230Gln)

Gene: ZMYND10 (zinc finger MYND-type containing 10; minus strand). Cytogenetic location: 3p21.31.
Variant type: single nucleotide variant.
Coding change: c.689G>A on transcript NM_015896.4 (MANE Select); coding-DNA position 689, G replaced by A.
Protein change: p.Arg230Gln; replaces arginine 230 with glutamine.
Molecular consequence: missense variant. On other transcripts: intron variant (1).
Genome position (GRCh38, 1-based): chr3:50,342,929, C>T on the plus strand (G>A on the coding strand, the complement: ZMYND10 is on the minus strand). VCF-style: chr3-50342929-C-T. GRCh37 (hg19) VCF-style: chr3-50380360-C-T.
Other names: c.689G>A (NM_015896.2); c.599+189G>A (NM_001308379.2); short protein forms R230Q.
Identifiers: ClinVar variation 1400652 (VCV001400652.4), dbSNP rs146875767, ClinGen allele CA2417132.